The following is an entry in ClinVar:

NM_003392.7(WNT5A):c.170T>C (p.Met57Thr)

Gene: WNT5A (Wnt family member 5A; minus strand). Cytogenetic location: 3p14.3.
Variant type: single nucleotide variant.
Coding change: c.170T>C on transcript NM_003392.7 (MANE Select); coding-DNA position 170, T replaced by C.
Protein change: p.Met57Thr; replaces methionine 57 with threonine.
Molecular consequence: missense variant.
Genome position (GRCh38, 1-based): chr3:55,479,535, A>G on the plus strand (T>C on the coding strand, the complement: WNT5A is on the minus strand). VCF-style: chr3-55479535-A-G. GRCh37 (hg19) VCF-style: chr3-55513563-A-G.
Other names: c.125T>C, p.Met42Thr (NM_001256105.1, NM_001377271.1, NM_001377272.1); short protein forms M42T, M57T.
Identifiers: ClinVar variation 3614186 (VCV003614186.2).

ClinVar aggregate classification (germline): Uncertain significance (1 of 4 stars; one submission).

gnomAD v4.1: 8 of 1,612,592 alleles (0.0005%); highest among the groups gnomAD compares: Non-Finnish European, 0.00059%; no homozygotes.

Submission:

Labcorp Genetics (formerly Invitae), Labcorp
Classification: Uncertain significance. Last evaluated: 2024-12-28. Review status: criteria provided, single submitter. Criteria: Invitae Variant Classification Sherloc (09022015). Collection method: clinical testing. Allele origin: germline.
Comment: This sequence change replaces methionine, which is neutral and non-polar, with threonine, which is neutral and polar, at codon 57 of the WNT5A protein (p.Met57Thr). This variant is present in population databases (rs759185001, gnomAD 0.005%). This variant has not been reported in the literature in individuals affected with WNT5A-related conditions. An algorithm developed to predict the effect of missense changes on protein structure and function (PolyPhen-2) suggests that this variant is likely to be tolerated. In summary, the available evidence is currently insufficient to determine the role of this variant in disease. Therefore, it has been classified as a Variant of Uncertain Significance.